The following is an entry in ClinVar:

NM_004655.4(AXIN2):c.1428G>T (p.Gln476His)

Gene: AXIN2 (axin 2; minus strand). Cytogenetic location: 17q24.1.
Variant type: single nucleotide variant.
Coding change: c.1428G>T on transcript NM_004655.4 (MANE Select); coding-DNA position 1428, G replaced by T.
Protein change: p.Gln476His; replaces glutamine 476 with histidine.
Molecular consequence: missense variant.
Genome position (GRCh38, 1-based): chr17:65,537,608, C>A on the plus strand (G>T on the coding strand, the complement: AXIN2 is on the minus strand). VCF-style: chr17-65537608-C-A. GRCh37 (hg19) VCF-style: chr17-63533726-C-A.
Other names: c.1428G>T, p.Gln476His (NM_001363813.1); short protein forms Q476H.
Identifiers: ClinVar variation 2586380 (VCV002586380.2), dbSNP rs1285545891, ClinGen allele CA400677519.

ClinVar aggregate classification (germline): Uncertain significance (1 of 4 stars; one submission).

Conditions:
Hereditary cancer-predisposing syndrome. Also called: Hereditary neoplastic syndrome; Tumor predisposition; Hereditary Cancer Syndrome; Neoplastic Syndromes, Hereditary. Identifiers: Orphanet 140162, MedGen C0027672, MeSH D009386, MONDO:0015356.

Submission:

Ambry Genetics
Classification: Uncertain significance for Hereditary cancer-predisposing syndrome. Last evaluated: 2023-09-10. Review status: criteria provided, single submitter. Criteria: Ambry Variant Classification Scheme 2023. Collection method: clinical testing. Allele origin: germline.
Comment: The p.Q476H variant (also known as c.1428G>T), located in coding exon 5 of the AXIN2 gene, results from a G to T substitution at nucleotide position 1428. The glutamine at codon 476 is replaced by histidine, an amino acid with highly similar properties. This amino acid position is conserved. In addition, this alteration is predicted to be tolerated by in silico analysis. Since supporting evidence is limited at this time, the clinical significance of this alteration remains unclear.